The following is an entry in ClinVar:

NM_000062.2(SERPING1):c.-99delC

Gene: SERPING1 (serpin family G member 1; plus strand). Cytogenetic location: 11q12.1.
Variant type: Deletion.
Coding change: c.-99delC on transcript NM_000062.2; 99 bases upstream of the start codon, one base deleted (C).
Genome position (GRCh38, 1-based): chr11:57,597,646, C deleted; the last of 8 consecutive C bases (chr11:57,597,639-57,597,646); deleting any one gives the same sequence. VCF-style (leftmost placement, unchanged base first): chr11-57597638-GC-G. GRCh37 (hg19) VCF-style: chr11-57365111-GC-G.
Identifiers: ClinVar variation 3353791 (VCV003353791.1).

ClinVar aggregate classification (germline): Likely benign (0 of 4 stars; one submission).

Conditions:
SERPING1-related disorder. Also called: SERPING1-related condition.

Submission:

PreventionGenetics, part of Exact Sciences
Classification: Likely benign for SERPING1-related condition. Last evaluated: 2024-07-30. Review status: no assertion criteria provided. Collection method: clinical testing. Allele origin: germline.
Comment: This variant is classified as likely benign based on ACMG/AMP sequence variant interpretation guidelines (Richards et al. 2015 PMID: 25741868, with internal and published modifications).